The following is an entry in ClinVar:

NM_000256.3(MYBPC3):c.1734del (p.Lys579fs)

Gene: MYBPC3 (myosin binding protein C3; minus strand). Cytogenetic location: 11p11.2.
Variant type: Deletion.
Coding change: c.1734del on transcript NM_000256.3 (MANE Select); coding-DNA position 1734, one base deleted (G; older notation c.1734delG).
Protein change: p.Lys579fs; shifts the reading frame from lysine 579.
Molecular consequence: frameshift variant.
Genome position (GRCh38, 1-based): chr11:47,342,047, C deleted on the plus strand (G on the coding strand, the reverse complement: MYBPC3 is on the minus strand). VCF-style (leftmost placement, unchanged base first): chr11-47342046-TC-T. GRCh37 (hg19) VCF-style: chr11-47363597-TC-T.
Other names: c.1734del, p.Lys579fs (LRG_386t1); c.1734delG (NM_000256.3); short protein forms K579fs.
Identifiers: ClinVar variation 181073 (VCV000181073.8), dbSNP rs730880646, ClinGen allele CA011021.

ClinVar aggregate classification (germline): Pathogenic. Review status: criteria provided, multiple submitters, no conflicts (2 of 4 stars). 2 submissions from 2 submitters: Pathogenic (2). Last evaluated 2023-06-19.

Conditions:
Hypertrophic cardiomyopathy. Also called: HYPERTROPHIC MYOCARDIOPATHY. Identifiers: Orphanet 217569, MedGen C0007194, MeSH D002312, MONDO:0005045, HP:0001639.

Submissions (2):

Labcorp Genetics (formerly Invitae), Labcorp
Classification: Pathogenic for Hypertrophic cardiomyopathy. Last evaluated: 2023-06-19. Review status: criteria provided, single submitter. Criteria: Invitae Variant Classification Sherloc (09022015). Collection method: clinical testing. Allele origin: germline.
Comment: For these reasons, this variant has been classified as Pathogenic. Algorithms developed to predict the effect of sequence changes on RNA splicing suggest that this variant may create or strengthen a splice site. ClinVar contains an entry for this variant (Variation ID: 181073). This premature translational stop signal has been observed in individual(s) with hypertrophic cardiomyopathy (Invitae). This variant is not present in population databases (gnomAD no frequency). This sequence change creates a premature translational stop signal (p.Lys579Argfs*12) in the MYBPC3 gene. It is expected to result in an absent or disrupted protein product. Loss-of-function variants in MYBPC3 are known to be pathogenic (PMID: 19574547).

GeneDx
Classification: Pathogenic. Last evaluated: 2014-09-02. Review status: criteria provided, single submitter. Criteria: GeneDx Variant Classification (06012015). Collection method: clinical testing. Allele origin: germline. Affected: yes.
Comment: Although the c.1734delG mutation in the MYBPC3 gene has not been reported to our knowledge, this mutation causes a shift in reading frame starting at codon Lysine 579, changing it to an Arginine, and creating a premature stop codon at position 12 of the new reading frame, denoted p.K579RfsX12. This mutation is expected to result in either an abnormal, truncated protein product or loss of protein from this allele through nonsense-mediated mRNA decay. Other frameshift mutations in the MYBPC3 gene have been reported in association with HCM. Furthermore, the c.1734delG mutation was not observed in approximately 6,300 individuals of European and African American ancestry in the NHLBI Exome Sequencing Project, indicating it is not a common benign variant in these populations.In summary, c.1734delG in the MYBPC3 gene is interpreted as a disease-causing mutation.

Literature cited by the submitters: PubMed 19574547 (cited by Labcorp Genetics (formerly Invitae), Labcorp).